The following is an entry in ClinVar:

ClinVar aggregate classification (germline): Uncertain significance (1 of 4 stars; one submission).

Conditions:
MHC class II deficiency. Also called: Bare lymphocyte syndrome 2; BLS, TYPE II. Identifiers: Orphanet 572, MedGen C5447452, MONDO:0008855.

Submission:

Labcorp Genetics (formerly Invitae), Labcorp
Classification: Uncertain significance for MHC class II deficiency. Last evaluated: 2021-12-08. Review status: criteria provided, single submitter. Criteria: Invitae Variant Classification Sherloc (09022015). Collection method: clinical testing. Allele origin: germline.
Comment: This sequence change replaces alanine, which is neutral and non-polar, with glycine, which is neutral and non-polar, at codon 445 of the RFX5 protein (p.Ala445Gly). This variant is not present in population databases (gnomAD no frequency). This variant has not been reported in the literature in individuals affected with RFX5-related conditions. Algorithms developed to predict the effect of missense changes on protein structure and function (SIFT, PolyPhen-2, Align-GVGD) all suggest that this variant is likely to be tolerated. In summary, the available evidence is currently insufficient to determine the role of this variant in disease. Therefore, it has been classified as a Variant of Uncertain Significance.

NM_001025603.2(RFX5):c.1334C>G (p.Ala445Gly)

Gene: RFX5 (regulatory factor X5; minus strand). Cytogenetic location: 1q21.3.
Variant type: single nucleotide variant.
Coding change: c.1334C>G on transcript NM_001025603.2 (MANE Select); coding-DNA position 1334, C replaced by G.
Protein change: p.Ala445Gly; replaces alanine 445 with glycine.
Molecular consequence: missense variant.
Genome position (GRCh38, 1-based): chr1:151,342,703, G>C on the plus strand (C>G on the coding strand, the complement: RFX5 is on the minus strand). VCF-style: chr1-151342703-G-C. GRCh37 (hg19) VCF-style: chr1-151315179-G-C.
Other names: c.1334C>G, p.Ala445Gly (NM_001379413.1, NM_001379414.1, NM_001379415.1 and 5 more transcripts); c.1214C>G, p.Ala405Gly (NM_001379419.1, NM_001379420.1); short protein forms A445G, A405G.
Identifiers: ClinVar variation 1355327 (VCV001355327.6), dbSNP rs2102059942, ClinGen allele CA341927347.